The following is an entry in ClinVar:

ClinVar aggregate classification (germline): Benign. Review status: criteria provided, multiple submitters, no conflicts (2 of 4 stars). 5 submissions from 4 submitters: Benign (5). Last evaluated 2026-02-04.

Conditions:
Long QT syndrome (LQTS). Identifiers: MedGen C0023976, MeSH D008133, MONDO:0002442. Disease mechanism: loss of function. Inheritance: Various modes of inheritance.
Jervell and Lange-Nielsen syndrome 2 (JLNS2). Identifiers: Orphanet 768, Orphanet 90647, MedGen C2676723, MONDO:0012871, OMIM 612347.
Long QT syndrome 5 (LQT5). Identifiers: Orphanet 101016, Orphanet 768, MedGen C1867904, MONDO:0013372, OMIM 613695.

Allele frequency attached by ClinVar (database versions not stated): 1000 Genomes Project 0.49361; gnomAD 0.50320.

Submissions (5):

Labcorp Genetics (formerly Invitae), Labcorp
Classification: Benign for Long QT syndrome. Last evaluated: 2026-02-04. Review status: criteria provided, single submitter. Criteria: Invitae Variant Classification Sherloc (09022015). Collection method: clinical testing. Allele origin: germline.

GeneDx
Classification: Benign. Last evaluated: 2021-05-12. Review status: criteria provided, single submitter. Criteria: GeneDx Variant Classification Process June 2021. Collection method: clinical testing. Allele origin: germline. Affected: yes.

Illumina Laboratory Services, Illumina
Classification: Benign for Jervell and Lange-Nielsen syndrome 2. Last evaluated: 2018-01-12. Review status: criteria provided, single submitter. Criteria: ICSL Variant Classification Criteria 13 December 2019. Collection method: clinical testing. Allele origin: germline.
Comment: This variant was observed in the ICSL laboratory as part of a predisposition screen in an ostensibly healthy population. It had not been previously curated by ICSL or reported in the Human Gene Mutation Database (HGMD: prior to June 1st, 2018), and was therefore a candidate for classification through an automated scoring system. Utilizing variant allele frequency, disease prevalence and penetrance estimates, and inheritance mode, an automated score was calculated to assess if this variant is too frequent to cause the disease. Based on the score and internal cut-off values, a variant classified as benign is not then subjected to further curation. The score for this variant resulted in a classification of benign for this disease.

Illumina Laboratory Services, Illumina
Classification: Benign for Long QT syndrome 5. Last evaluated: 2018-01-12. Review status: criteria provided, single submitter. Criteria: ICSL Variant Classification Criteria 13 December 2019. Collection method: clinical testing. Allele origin: germline.
Comment: the same text as in the submission from Illumina Laboratory Services, Illumina above.

Breakthrough Genomics
Classification: Benign. Review status: criteria provided, single submitter. Criteria: ACMG Guidelines, 2015. Collection method: not provided. Allele origin: germline. Inheritance: Autosomal recessive inheritance. Affected: yes.

NM_000219.6(KCNE1):c.*1219A>G

Gene: KCNE1 (potassium voltage-gated channel subfamily E regulatory subunit 1; minus strand). Cytogenetic location: 21q22.12.
Variant type: single nucleotide variant.
Coding change: c.*1219A>G on transcript NM_000219.6 (MANE Select); 1219 bases downstream of the stop codon, A replaced by G.
Molecular consequence: 3 prime UTR variant.
Genome position (GRCh38, 1-based): chr21:34,448,026, T>C on the plus strand (A>G on the coding strand, the complement: KCNE1 is on the minus strand). VCF-style: chr21-34448026-T-C. GRCh37 (hg19) VCF-style: chr21-35820324-T-C.
Other names: c.*1219A>G (NM_001127668.4, NM_001127669.4, NM_001127670.4 and 4 more transcripts).
Identifiers: ClinVar variation 339751 (VCV000339751.16), dbSNP rs11909074, ClinGen allele CA10644574.